The following is an entry in ClinVar:

ClinVar aggregate classification (germline): Uncertain significance (1 of 4 stars; one submission).

Conditions:
Cardiovascular phenotype. Identifiers: MedGen CN230736.

gnomAD v4.1: 2 of 1,613,828 alleles (0.00012%); highest among the groups gnomAD compares: African/African-American, 0.0013%; no homozygotes.

Submission:

Ambry Genetics
Classification: Uncertain significance for Cardiovascular phenotype. Last evaluated: 2019-04-19. Review status: criteria provided, single submitter. Criteria: Ambry Variant Classification Scheme 2023. Collection method: clinical testing. Allele origin: germline.
Comment: The p.G3509D variant (also known as c.10526G>A), located in coding exon 44 of the TTN gene, results from a G to A substitution at nucleotide position 10526. The glycine at codon 3509 is replaced by aspartic acid, an amino acid with similar properties. This amino acid position is not well conserved in available vertebrate species, and aspartic acid is the reference amino acid in other vertebrate species. In addition, this alteration is predicted to be tolerated by in silico analysis. Since supporting evidence is limited at this time, the clinical significance of this alteration remains unclear.

NM_001267550.2(TTN):c.11615G>A (p.Gly3872Asp)

Gene: TTN (titin; minus strand). Cytogenetic location: 2q31.2.
Variant type: single nucleotide variant.
Coding change: c.11615G>A on transcript NM_001267550.2 (MANE Select); coding-DNA position 11615, G replaced by A.
Protein change: p.Gly3872Asp; replaces glycine 3872 with aspartic acid.
Molecular consequence: missense variant. On other transcripts: intron variant (1).
Genome position (GRCh38, 1-based): chr2:178,741,618, C>T on the plus strand (G>A on the coding strand, the complement: TTN is on the minus strand). VCF-style: chr2-178741618-C-T. GRCh37 (hg19) VCF-style: chr2-179606345-C-T.
Other names: c.10664G>A, p.Gly3555Asp (NM_001256850.1); c.10526G>A, p.Gly3509Asp (NM_003319.4); c.10901G>A, p.Gly3634Asp (NM_133432.3); c.11102G>A, p.Gly3701Asp (NM_133437.4); c.10361-3258G>A (NM_133378.4); short protein forms G3634D, G3555D, G3509D, G3701D, G3872D.
Identifiers: ClinVar variation 1777447 (VCV001777447.2), dbSNP rs751755895, ClinGen allele CA349620685.